The following is an entry in ClinVar:

ClinVar aggregate classification (germline): Likely benign. Review status: criteria provided, multiple submitters, no conflicts (2 of 4 stars). 3 submissions from 3 submitters: Likely benign (3). Last evaluated 2026-02-03.

Conditions:
Long chain 3-hydroxyacyl-CoA dehydrogenase deficiency. Also called: Deficiency of long-chain 3-hydroxyacyl-coenzyme A dehydrogenase; LCHAD Deficiency. Identifiers: Orphanet 5, MedGen C3711645, MONDO:0012173, OMIM 609016.
Mitochondrial trifunctional protein deficiency. Identifiers: Orphanet 746, MedGen C1969443, MONDO:0012172.
HADHA-related disorder. Also called: HADHA-related condition; HADHA-related disorders.

Allele frequency attached by ClinVar (database versions not stated): gnomAD 0.00001 and 0.00002; TOPMed 0.00001; ExAC 0.00003; gnomAD exomes 0.00003 and 0.00005.
gnomAD v4.1: 70 of 1,614,038 alleles (0.0043%); highest among the groups gnomAD compares: South Asian, 0.012%; no homozygotes.

Submissions (3):

PreventionGenetics, part of Exact Sciences
Classification: Likely benign for HADHA-related condition. Last evaluated: 2026-02-03. Review status: criteria provided, single submitter. Criteria: ACMG Guidelines, 2015. Collection method: clinical testing. Allele origin: germline.
Comment: This variant is classified as likely benign based on ACMG/AMP sequence variant interpretation guidelines (Richards et al. 2015 PMID: 25741868, with internal and published modifications).

Labcorp Genetics (formerly Invitae), Labcorp
Classification: Likely benign for Mitochondrial trifunctional protein deficiency; Long chain 3-hydroxyacyl-CoA dehydrogenase deficiency. Last evaluated: 2025-10-02. Review status: criteria provided, single submitter. Criteria: Invitae Variant Classification Sherloc (09022015). Collection method: clinical testing. Allele origin: germline.

GeneDx
Classification: Likely benign. Last evaluated: 2018-03-05. Review status: criteria provided, single submitter. Criteria: GeneDx Variant Classification (06012015). Collection method: clinical testing. Allele origin: germline. Affected: yes.
Comment: This variant is considered likely benign or benign based on one or more of the following criteria: it is a conservative change, it occurs at a poorly conserved position in the protein, it is predicted to be benign by multiple in silico algorithms, and/or has population frequency not consistent with disease.

NM_000182.5(HADHA):c.1800G>A (p.Ala600=)

Genes: GAREM2 (GRB2 associated regulator of MAPK1 subtype 2; plus strand), HADHA (hydroxyacyl-CoA dehydrogenase trifunctional multienzyme complex subunit alpha; minus strand). Cytogenetic location: 2p23.3.
Variant type: single nucleotide variant.
Coding change: c.1800G>A on transcript NM_000182.5 (MANE Select); coding-DNA position 1800, G replaced by A.
Protein change: p.Ala600=; no amino-acid change (alanine 600 retained).
Molecular consequence: synonymous variant.
Genome position (GRCh38, 1-based): chr2:26,193,662, C>T on the plus strand (G>A on the coding strand, the complement: HADHA is on the minus strand). VCF-style: chr2-26193662-C-T. GRCh37 (hg19) VCF-style: chr2-26416531-C-T.
Identifiers: ClinVar variation 515738 (VCV000515738.11), dbSNP rs771364967, ClinGen allele CA1559454.